The following is an entry in ClinVar:

NM_030773.4(TUBB1):c.684A>G (p.Leu228=)

Gene: TUBB1 (tubulin beta 1 class VI; plus strand). Cytogenetic location: 20q13.32.
Variant type: single nucleotide variant.
Coding change: c.684A>G on transcript NM_030773.4 (MANE Select); coding-DNA position 684, A replaced by G.
Protein change: p.Leu228=; no amino-acid change (leucine 228 retained).
Molecular consequence: synonymous variant.
Genome position (GRCh38, 1-based): chr20:59,024,111, A>G. VCF-style: chr20-59024111-A-G. GRCh37 (hg19) VCF-style: chr20-57599166-A-G.
Identifiers: ClinVar variation 2652453 (VCV002652453.24), dbSNP rs2515917214, ClinGen allele CA511316546.

ClinVar aggregate classification (germline): Likely benign (1 of 4 stars; one submission).

Submission:

CeGaT Center for Human Genetics Tuebingen
Classification: Likely benign. Last evaluated: 2022-12-01. Review status: criteria provided, single submitter. Criteria: CeGaT Center For Human Genetics Tuebingen Variant Classification Criteria Version 2. Collection method: clinical testing. Allele origin: germline. Affected: yes. Observed: 1 variant allele.
Comment: TUBB1: PM2:Supporting, BP4, BP7